The following is an entry in ClinVar:

NM_000016.6(ACADM):c.1000_1001insAA (p.Arg334fs)

Gene: ACADM (acyl-CoA dehydrogenase medium chain; plus strand). Cytogenetic location: 1p31.1.
Variant type: Insertion.
Coding change: c.1000_1001insAA on transcript NM_000016.6 (MANE Select); coding-DNA positions 1000 to 1001, AA inserted.
Protein change: p.Arg334fs; shifts the reading frame from arginine 334.
Molecular consequence: frameshift variant.
Genome position: GRCh38 VCF-style: chr1-75761175-T-TAA. GRCh37 (hg19) VCF-style: chr1-76226860-T-TAA.
Other names: c.1012_1013insAA, p.Arg338fs (NM_001127328.3); c.892_893insAA, p.Arg298fs (NM_001286042.2); c.1099_1100insAA, p.Arg367fs (NM_001286043.2); c.433_434insAA, p.Arg145fs (NM_001286044.2); short protein forms R334fs, R367fs, R298fs, R145fs, R338fs.
Identifiers: ClinVar variation 5007118 (VCV005007118.2).

ClinVar aggregate classification (germline): Likely pathogenic (1 of 4 stars; one submission).

Conditions:
Medium-chain acyl-coenzyme A dehydrogenase deficiency (ACADMD). Also called: MCADH DEFICIENCY; MCAD Deficiency; Medium chain acyl-CoA dehydrogenase deficiency; ACADM DEFICIENCY; CARNITINE DEFICIENCY SECONDARY TO MEDIUM-CHAIN ACYL-CoA DEHYDROGENASE DEFICIENCY; MCADD. Identifiers: Orphanet 42, MedGen C0220710, MONDO:0008721, OMIM 201450.

Submission:

Juno Genomics, Hangzhou Juno Genomics, Inc
Classification: Likely pathogenic for Medium-chain acyl-coenzyme A dehydrogenase deficiency. Review status: criteria provided, single submitter. Criteria: ACMG Guidelines, 2015. Collection method: clinical testing. Allele origin: germline.
Comment: Null variant in a gene where loss of function (LOF) is a known mechanism of disease.;Absent from controls (or at extremely low frequency if recessive) in Genome Aggregation Database.